The following is an entry in ClinVar:

NM_001283009.2(RTEL1):c.100C>G (p.Gln34Glu)

Genes: RTEL1 (regulator of telomere elongation helicase 1; plus strand), RTEL1-TNFRSF6B (RTEL1-TNFRSF6B readthrough (NMD candidate); plus strand). Cytogenetic location: 20q13.33.
Variant type: single nucleotide variant.
Coding change: c.100C>G on transcript NM_001283009.2 (MANE Select); coding-DNA position 100, C replaced by G.
Protein change: p.Gln34Glu; replaces glutamine 34 with glutamic acid.
Molecular consequence: missense variant. On other transcripts: non-coding transcript variant (1), intron variant (1).
Genome position (GRCh38, 1-based): chr20:63,659,502, C>G. VCF-style: chr20-63659502-C-G. GRCh37 (hg19) VCF-style: chr20-62290855-C-G.
Other names: c.100C>G, p.Gln34Glu (NM_016434.4, NM_032957.5); c.-568+1043C>G (NM_001283010.1); short protein forms Q34E.
Identifiers: ClinVar variation 4157740 (VCV004157740.1).

ClinVar aggregate classification (germline): Uncertain significance (1 of 4 stars; one submission).

Conditions:
Inborn genetic diseases. Identifiers: MedGen C0950123, MeSH D030342.

Submission:

Ambry Genetics
Classification: Uncertain significance for Inborn genetic diseases. Last evaluated: 2025-09-14. Review status: criteria provided, single submitter. Criteria: Ambry Variant Classification Scheme 2023. Collection method: clinical testing. Allele origin: germline.
Comment: The p.Q34E variant (also known as c.100C>G), located in coding exon 1 of the RTEL1 gene, results from a C to G substitution at nucleotide position 100. The glutamine at codon 34 is replaced by glutamic acid, an amino acid with highly similar properties. This amino acid position is conserved. In addition, this alteration is predicted to be tolerated by in silico analysis. Based on the available evidence, the clinical significance of this variant remains unclear.